The following is an entry in ClinVar:

ClinVar aggregate classification (germline): Uncertain significance. Review status: criteria provided, multiple submitters, no conflicts (2 of 4 stars). 2 submissions from 2 submitters: Uncertain significance (2). Last evaluated 2025-04-04.

Conditions:
Cardiovascular phenotype. Identifiers: MedGen CN230736.

Allele frequency attached by ClinVar (database versions not stated): gnomAD exomes below 0.00001; TOPMed 0.00001.
gnomAD v4.1: 2 of 1,549,706 alleles (0.00013%); highest among the groups gnomAD compares: African/African-American, 0.0027%; no homozygotes.

Submissions (2):

Ambry Genetics
Classification: Uncertain significance for Cardiovascular phenotype. Last evaluated: 2025-04-04. Review status: criteria provided, single submitter. Criteria: Ambry Variant Classification Scheme 2023. Collection method: clinical testing. Allele origin: germline.

Labcorp Genetics (formerly Invitae), Labcorp
Classification: Uncertain significance. Last evaluated: 2024-12-16. Review status: criteria provided, single submitter. Criteria: Invitae Variant Classification Sherloc (09022015). Collection method: clinical testing. Allele origin: germline.
Comment: This sequence change replaces tryptophan, which is neutral and slightly polar, with arginine, which is basic and polar, at codon 2898 of the ZNF469 protein (p.Trp2898Arg). This variant is not present in population databases (gnomAD no frequency). This variant has not been reported in the literature in individuals affected with ZNF469-related conditions. ClinVar contains an entry for this variant (Variation ID: 1961603). An algorithm developed to predict the effect of missense changes on protein structure and function (PolyPhen-2) suggests that this variant is likely to be disruptive. In summary, the available evidence is currently insufficient to determine the role of this variant in disease. Therefore, it has been classified as a Variant of Uncertain Significance.

NM_001367624.2(ZNF469):c.8776T>C (p.Trp2926Arg)

Gene: ZNF469 (zinc finger protein 469; plus strand). Cytogenetic location: 16q24.2.
Variant type: single nucleotide variant.
Coding change: c.8776T>C on transcript NM_001367624.2 (MANE Select); coding-DNA position 8776, T replaced by C.
Protein change: p.Trp2926Arg; replaces tryptophan 2926 with arginine.
Molecular consequence: missense variant.
Genome position (GRCh38, 1-based): chr16:88,436,246, T>C. VCF-style: chr16-88436246-T-C. GRCh37 (hg19) VCF-style: chr16-88502654-T-C.
Other names: NM_001127464.1:c.8692T>C; short protein forms W2926R.
Identifiers: ClinVar variation 1961603 (VCV001961603.7), dbSNP rs1041995435, ClinGen allele CA286384591.